The following is an entry in ClinVar:

ClinVar aggregate classification (germline): Uncertain significance (1 of 4 stars; one submission).

Submission:

GeneDx
Classification: Uncertain significance. Last evaluated: 2024-06-11. Review status: criteria provided, single submitter. Criteria: GeneDx Variant Classification Process June 2021. Collection method: clinical testing. Allele origin: germline. Affected: yes.
Comment: Not observed at significant frequency in large population cohorts (gnomAD); In silico analysis supports that this missense variant has a deleterious effect on protein structure/function; Has not been previously published as pathogenic or benign to our knowledge

NM_002470.4(MYH3):c.2484G>T (p.Trp828Cys)

Gene: MYH3 (myosin heavy chain 3; minus strand). Cytogenetic location: 17p13.1.
Variant type: single nucleotide variant.
Coding change: c.2484G>T on transcript NM_002470.4 (MANE Select); coding-DNA position 2484, G replaced by T.
Protein change: p.Trp828Cys; replaces tryptophan 828 with cysteine.
Molecular consequence: missense variant.
Genome position (GRCh38, 1-based): chr17:10,640,194, C>A on the plus strand (G>T on the coding strand, the complement: MYH3 is on the minus strand). VCF-style: chr17-10640194-C-A. GRCh37 (hg19) VCF-style: chr17-10543511-C-A.
Other names: short protein forms W828C.
Identifiers: ClinVar variation 3390470 (VCV003390470.1).
Genomic context (GRCh38, chr17:10,640,194, plus strand): 5'-TTTCTCAGTCTCTGCACTCTTGAGGAGGGGCTTGATCTTGAAGAAGAGTTTCATCCAGGG[C>A]CAGTGCTTGACGTTCATGAATGAGCGAATGTTGTACTGGATGCAGAAGATGGACTCCCTA-3'
Protein context (NP_002461.2, residues 818-838): NIRSFMNVKH[Trp828Cys]PWMKLFFKIK